The following is an entry in ClinVar:

NM_000238.4(KCNH2):c.3133C>T (p.Leu1045Phe)

Gene: KCNH2 (potassium voltage-gated channel subfamily H member 2; minus strand). Cytogenetic location: 7q36.1.
Variant type: single nucleotide variant.
Coding change: c.3133C>T on transcript NM_000238.4 (MANE Select); coding-DNA position 3133, C replaced by T.
Protein change: p.Leu1045Phe; replaces leucine 1045 with phenylalanine.
Molecular consequence: missense variant.
Genome position (GRCh38, 1-based): chr7:150,947,347, G>A on the plus strand (C>T on the coding strand, the complement: KCNH2 is on the minus strand). VCF-style: chr7-150947347-G-A. GRCh37 (hg19) VCF-style: chr7-150644435-G-A.
Other names: p.Leu1045Phe; c.3133C>T (LRG_288t1, NM_000238.2); c.2113C>T, p.Leu705Phe (NM_172057.3); short protein forms L1045F, L705F.
Identifiers: ClinVar variation 67473 (VCV000067473.18), dbSNP rs199473025, ClinGen allele CA008015.

ClinVar aggregate classification (germline): Conflicting classifications of pathogenicity. Review status: criteria provided, conflicting classifications (1 of 4 stars). 9 submissions from 7 submitters: Uncertain significance (2); Benign (3). 4 of the submissions do not count toward it. Last evaluated 2026-02-03.

Conditions:
Cardiovascular phenotype. Identifiers: MedGen CN230736.
Cardiac arrhythmia. Also called: Arrhythmia; Cardiac rhythm disease. Identifiers: MedGen C0003811, MONDO:0007263, HP:0011675.
Familial long QT syndrome (RWS). Also called: Congenital long QT syndrome; Romano-Ward syndrome; VENTRICULAR FIBRILLATION WITH PROLONGED QT INTERVAL. Identifiers: Orphanet 768, MedGen C1141890, MONDO:0019171.
Long QT syndrome (LQTS). Identifiers: MedGen C0023976, MeSH D008133, MONDO:0002442. Disease mechanism: loss of function. Inheritance: Various modes of inheritance.
Arrhythmogenic right ventricular cardiomyopathy (ARVD). Also called: Arrhythmogenic right ventricular dysplasia; Arrhythmogenic cardiomyopathy; Arrhythmogenic Right Ventricular Cardiomyopathy (ARVC); Cardiomyopathy, ARVC. Identifiers: Orphanet 247, MedGen C0349788, MeSH D019571, MONDO:0016587. Disease mechanism: loss of function. Inheritance: Various modes of inheritance.
Primary dilated cardiomyopathy (DCM). Also called: Dilated Cardiomyopathy. Identifiers: Orphanet 217604, MedGen C0007193, MeSH D002311, MONDO:0005021, HP:0001644. Inheritance: Various modes of inheritance.

Allele frequency attached by ClinVar (database versions not stated): TOPMed 0.00003; gnomAD exomes 0.00092 and 0.00038; gnomAD 0.00094 and 0.00098; ExAC below 0.00001.
gnomAD v4.1: 675 of 1,544,104 alleles (0.044%); highest among the groups gnomAD compares: Non-Finnish European, 0.0051%; 4 homozygotes.

Submissions (9):

Labcorp Genetics (formerly Invitae), Labcorp
Classification: Benign for Long QT syndrome. Last evaluated: 2026-02-03. Review status: criteria provided, single submitter. Criteria: Invitae Variant Classification Sherloc (09022015). Collection method: clinical testing. Allele origin: germline.

GeneDx
Classification: Uncertain significance. Last evaluated: 2024-09-18. Review status: criteria provided, single submitter. Criteria: GeneDx Variant Classification Process June 2021. Collection method: clinical testing. Allele origin: germline. Affected: yes.
Comment: In silico analysis supports that this missense variant has a deleterious effect on protein structure/function; This variant is associated with the following publications: (PMID: 16244680, 22402334, 28988457, 15176425, Thompson2023[preprint])

Mayo Clinic Laboratories, Mayo Clinic
Classification: Uncertain significance. Last evaluated: 2023-09-22. Review status: criteria provided, single submitter. Criteria: ACMG Guidelines, 2015. Collection method: clinical testing. Allele origin: germline. Observed: 1 variant allele.
Comment: BS1, PP2, PP3

Color Diagnostics, LLC DBA Color Health
Classification: Benign for Arrhythmia. Last evaluated: 2019-04-01. Review status: criteria provided, single submitter. Criteria: ACMG Guidelines, 2015. Collection method: clinical testing. Allele origin: germline.

Ambry Genetics
Classification: Benign for Cardiovascular phenotype. Last evaluated: 2017-10-02. Review status: criteria provided, single submitter. Criteria: Ambry Variant Classification Scheme 2023. Collection method: clinical testing. Allele origin: germline.

Blueprint Genetics
Classification: Likely benign for Long QT syndrome. Last evaluated: 2014-05-07. Review status: no assertion criteria provided. Collection method: clinical testing. Allele origin: germline. Affected: yes. Observed: 1 variant allele. Not counted in ClinVar's aggregate classification.

Blueprint Genetics
Classification: Likely benign for Primary dilated cardiomyopathy. Last evaluated: 2013-10-30. Review status: no assertion criteria provided. Collection method: clinical testing. Allele origin: germline. Affected: yes. Not counted in ClinVar's aggregate classification.

Blueprint Genetics
Classification: Likely benign for Arrhythmogenic right ventricular cardiomyopathy. Last evaluated: 2013-10-09. Review status: no assertion criteria provided. Collection method: clinical testing. Allele origin: germline. Affected: yes. Not counted in ClinVar's aggregate classification.

Cardiovascular Biomedical Research Unit, Royal Brompton & Harefield NHS Foundation Trust
No classification provided. Condition: Familial long QT syndrome. Review status: no classification provided. Collection method: literature only. Allele origin: germline. Not counted in ClinVar's aggregate classification.
Comment: This variant has been reported as associated with Long QT syndrome in the following publications (PMID:16244680;PMID:22402334). This is a literature report, and does not necessarily reflect the clinical interpretation of the Imperial College / Royal Brompton Cardiovascular Genetics laboratory.

Literature cited by the submitters: PubMed 15176425 (cited by Mayo Clinic Laboratories, Mayo Clinic and Blueprint Genetics); PubMed 22402334 (cited by 4 submitters); PubMed 16244680 (cited by Ambry Genetics and Cardiovascular Biomedical Research Unit, Royal Brompton & Harefield NHS Foundation Trust); PubMed 22581653 (cited by Cardiovascular Biomedical Research Unit, Royal Brompton & Harefield NHS Foundation Trust).